The following is an entry in ClinVar:

NM_004606.5(TAF1):c.2005C>T (p.Pro669Ser)

Gene: TAF1 (TATA-box binding protein associated factor 1; plus strand). Cytogenetic location: Xq13.1.
Variant type: single nucleotide variant.
Coding change: c.2005C>T on transcript NM_004606.5 (MANE Select); coding-DNA position 2005, C replaced by T.
Protein change: p.Pro669Ser; replaces proline 669 with serine.
Molecular consequence: missense variant. On other transcripts: non-coding transcript variant (9).
Genome position (GRCh38, 1-based): chrX:71,384,019, C>T. VCF-style: chrX-71384019-C-T. GRCh37 (hg19) VCF-style: chrX-70603869-C-T.
Other names: c.2005C>T, p.Pro669Ser (NM_001286074.2, NM_001440852.1, NM_001440853.1); c.1942C>T, p.Pro648Ser (NM_001440854.1, NM_138923.4); short protein forms P648S, P669S.
Identifiers: ClinVar variation 4538764 (VCV004538764.1).

ClinVar aggregate classification (germline): Uncertain significance (1 of 4 stars; one submission).

Submission:

GeneDx
Classification: Uncertain significance. Last evaluated: 2025-06-17. Review status: criteria provided, single submitter. Criteria: GeneDx Variant Classification Process June 2021. Collection method: clinical testing. Allele origin: germline. Affected: yes.
Comment: Not observed at significant frequency in large population cohorts (gnomAD); In silico analysis supports that this missense variant has a deleterious effect on protein structure/function; Has not been previously published as pathogenic or benign to our knowledge